The following is an entry in ClinVar:

ClinVar aggregate classification (germline): Uncertain significance. Review status: criteria provided, multiple submitters, no conflicts (2 of 4 stars). 4 submissions from 4 submitters: Uncertain significance (4). Last evaluated 2022-05-27.

Conditions:
Inborn genetic diseases. Identifiers: MedGen C0950123, MeSH D030342.

Allele frequency attached by ClinVar (database versions not stated): gnomAD exomes below 0.00001 and 0.00001; TOPMed below 0.00001; ExAC 0.00001.

Submissions (4):

Clinical Genetics Laboratory, Skane University Hospital Lund
Classification: Uncertain significance. Last evaluated: 2022-05-27. Review status: criteria provided, single submitter. Criteria: ACMG Guidelines, 2015. Collection method: clinical testing. Allele origin: germline. Affected: yes.

Ambry Genetics
Classification: Uncertain significance for Inborn genetic diseases. Last evaluated: 2021-08-10. Review status: criteria provided, single submitter. Criteria: Ambry Variant Classification Scheme 2023. Collection method: clinical testing. Allele origin: germline.

Genetic Services Laboratory, University of Chicago
Classification: Uncertain significance. Last evaluated: 2015-01-15. Review status: criteria provided, single submitter. Criteria: ACMG Guidelines, 2015. Collection method: clinical testing. Allele origin: germline.

Laboratory for Molecular Medicine, Mass General Brigham Personalized Medicine
Classification: Uncertain significance. Last evaluated: 2013-09-28. Review status: criteria provided, single submitter. Criteria: LMM Criteria. Collection method: clinical testing. Allele origin: germline. Observed: 3 variant alleles.
Comment: The Met157Thr variant in GJB2 has not been reported in individuals with hearing loss or in large population studies. Computational analyses (biochemical amino a cid properties, conservation, AlignGVGD, PolyPhen2, and SIFT) do not provide str ong support for or against an impact to the protein. In summary, additional data is needed to determine the clinical significance of this variant.

NM_004004.6(GJB2):c.470T>C (p.Met157Thr)

Gene: GJB2 (gap junction protein beta 2; minus strand). Cytogenetic location: 13q12.11.
Variant type: single nucleotide variant.
Coding change: c.470T>C on transcript NM_004004.6 (MANE Select); coding-DNA position 470, T replaced by C.
Protein change: p.Met157Thr; replaces methionine 157 with threonine.
Molecular consequence: missense variant.
Genome position (GRCh38, 1-based): chr13:20,189,112, A>G on the plus strand (T>C on the coding strand, the complement: GJB2 is on the minus strand). VCF-style: chr13-20189112-A-G. GRCh37 (hg19) VCF-style: chr13-20763251-A-G.
Other names: short protein forms M157T.
Identifiers: ClinVar variation 179318 (VCV000179318.12), dbSNP rs727504789, ClinGen allele CA184190.